The following is an entry in ClinVar:

ClinVar aggregate classification (germline): Uncertain significance (1 of 4 stars; one submission).

Conditions:
OAS1-related disorder. Also called: OAS1-related condition.

Allele frequency attached by ClinVar (database versions not stated): gnomAD exomes 0.00001; TOPMed 0.00001.
gnomAD v4.1: 4 of 694,016 alleles (0.00058%); highest among the groups gnomAD compares: Non-Finnish European, 0.001%; no homozygotes.

Submission:

PreventionGenetics, part of Exact Sciences
Classification: Uncertain significance for OAS1-related condition. Last evaluated: 2022-11-02. Review status: criteria provided, single submitter. Criteria: ACMG Guidelines, 2015. Collection method: clinical testing. Allele origin: germline.
Comment: The OAS1 c.1040T>C variant is predicted to result in the amino acid substitution p.Val347Ala. To our knowledge, this variant has not been reported in the literature or in a large population database, indicating this variant is rare. At this time, the clinical significance of this variant is uncertain due to the absence of conclusive functional and genetic evidence.

NM_001320151.2(OAS1):c.1040T>C (p.Val347Ala)

Gene: OAS1 (2'-5'-oligoadenylate synthetase 1; plus strand). Cytogenetic location: 12q24.13.
Variant type: single nucleotide variant.
Coding change: c.1040T>C on transcript NM_001320151.2; coding-DNA position 1040, T replaced by C.
Protein change: p.Val347Ala; replaces valine 347 with alanine.
Molecular consequence: missense variant. On other transcripts: non-coding transcript variant (1).
Genome position (GRCh38, 1-based): chr12:112,931,879, T>C. VCF-style: chr12-112931879-T-C. GRCh37 (hg19) VCF-style: chr12-113369684-T-C.
Other names: c.1016T>C, p.Val339Ala (NM_001406025.1); short protein forms V339A, V347A.
Identifiers: ClinVar variation 2636588 (VCV002636588.1), dbSNP rs995952533, ClinGen allele CA243759928.